The following is an entry in ClinVar:

NM_015046.7(SETX):c.7585del (p.Arg2529fs)

Gene: SETX (senataxin; minus strand). Cytogenetic location: 9q34.13.
Variant type: Deletion.
Coding change: c.7585del on transcript NM_015046.7 (MANE Select); coding-DNA position 7585, one base deleted (A; older notation c.7585delA).
Protein change: p.Arg2529fs; shifts the reading frame from arginine 2529.
Molecular consequence: frameshift variant.
Genome position (GRCh38, 1-based): chr9:132,264,688, T deleted on the plus strand (A on the coding strand, the reverse complement: SETX is on the minus strand); the first of 3 consecutive T bases (chr9:132,264,688-132,264,690); deleting any one gives the same sequence. VCF-style (leftmost placement, unchanged base first): chr9-132264687-CT-C. GRCh37 (hg19) VCF-style: chr9-135140074-CT-C.
Other names: c.7585del, p.Arg2529fs (NM_001351527.2); c.7672del, p.Arg2558fs (NM_001351528.2); c.7585delA (NM_015046.5); short protein forms R2529fs, R2558fs.
Identifiers: ClinVar variation 1759630 (VCV001759630.3), dbSNP rs1457817950, ClinGen allele CA590947130.
Genomic context (GRCh38, chr9:132,264,687, plus strand): 5'-ACCTCAATGCCCATCCTCTTCAGCAGTCGTGGGTCCTGAAGTTGGTCATGAACAGGAGGT[CT>C]TTCAGGGTCCTTTGAAGTAACAGTAAGAGTAATTTCCTTGGAGTCAGAGGGTGTGTGGTA-3'

ClinVar aggregate classification (germline): Uncertain significance. Review status: criteria provided, multiple submitters, no conflicts (2 of 4 stars). 2 submissions from 2 submitters: Uncertain significance (2). Last evaluated 2025-05-14.

Conditions:
Inborn genetic diseases. Identifiers: MedGen C0950123, MeSH D030342.
Spinocerebellar ataxia, autosomal recessive, with axonal neuropathy 2 (SCAN2). Also called: ATAXIA-OCULOMOTOR APRAXIA 2; Ataxia with Oculomotor Apraxia; Ataxia-ocular apraxia-2; Ataxia with Oculomotor Apraxia Type 2. Identifiers: Orphanet 64753, MedGen C1853761, MONDO:0018996, OMIM 606002.
Amyotrophic lateral sclerosis type 4 (ALS4). Also called: NEURONOPATHY, DISTAL HEREDITARY MOTOR, WITH PYRAMIDAL FEATURES; AMYOTROPHIC LATERAL SCLEROSIS 4, JUVENILE. Identifiers: Orphanet 357043, MedGen C1865409, MONDO:0011223, OMIM 602433.

Submissions (2):

Labcorp Genetics (formerly Invitae), Labcorp
Classification: Uncertain significance for Amyotrophic lateral sclerosis type 4; Spinocerebellar ataxia, autosomal recessive, with axonal neuropathy 2. Last evaluated: 2025-05-14. Review status: criteria provided, single submitter. Criteria: Invitae Variant Classification Sherloc (09022015). Collection method: clinical testing. Allele origin: germline.
Comment: This sequence change creates a premature translational stop signal (p.Arg2529Aspfs*14) in the SETX gene. While this is not anticipated to result in nonsense mediated decay, it is expected to disrupt the last 149 amino acid(s) of the SETX protein. This variant is present in population databases (no rsID available, gnomAD 0.007%). This variant has not been reported in the literature in individuals affected with SETX-related conditions. ClinVar contains an entry for this variant (Variation ID: 1759630). Experimental studies and prediction algorithms are not available or were not evaluated, and the functional significance of this variant is currently unknown. In summary, the available evidence is currently insufficient to determine the role of this variant in disease. Therefore, it has been classified as a Variant of Uncertain Significance.

Ambry Genetics
Classification: Uncertain significance for Inborn genetic diseases. Last evaluated: 2019-11-08. Review status: criteria provided, single submitter. Criteria: Ambry Variant Classification Scheme 2023. Collection method: clinical testing. Allele origin: germline.
Comment: The c.7585delA variant, located in coding exon 24 of the SETX gene, results from a deletion of one nucleotide at nucleotide position 7585, causing a translational frameshift with a predicted alternate stop codon (p.R2529Dfs*14). Frameshifts are typically deleterious in nature; however, this frameshift occurs at the 3' terminus of SETX, is not expected to trigger nonsense-mediated mRNA decay, and impacts only the last 148 amino acids of the protein. The exact functional impact of these altered amino acids is unknown at this time. Additionally, loss of function via haploinsufficiency of SETX has not been established as a mechanism of autosomal dominant disease. Since supporting evidence is limited at this time, the clinical significance of this alteration remains unclear.